The following is an entry in ClinVar:

NM_001384140.1(PCDH15):c.3502-10dup

Gene: PCDH15 (protocadherin related 15; minus strand). Cytogenetic location: 10q21.1.
Variant type: Duplication.
Coding change: c.3502-10dup on transcript NM_001384140.1 (MANE Select); 10 bases into the intron before coding-DNA position 3502, one base duplicated (C; older notation c.3502-10dupC).
Molecular consequence: intron variant.
Genome position (GRCh38, 1-based): chr10:53,866,867, G duplicated on the plus strand (C on the coding strand, the reverse complement: PCDH15 is on the minus strand); the first of 4 consecutive G bases (chr10:53,866,867-53,866,870); duplicating any one gives the same sequence. VCF-style (leftmost placement, unchanged base first): chr10-53866866-A-AG. GRCh37 (hg19) VCF-style: chr10-55626626-A-AG.
Other names: c.3502-10dupC (NM_033056.4); c.3502-10dup (NM_001354420.2, NM_001354429.2, NM_001142772.2 and 4 more transcripts); c.3517-10dup (NM_001142771.2, NM_001142763.2); c.3523-10dup (NM_001354411.2); c.3538-10dup (NM_001142769.3); c.3436-10dup (NM_001354404.2, NM_001142773.2, NM_001142768.2); c.3391-10dup (NM_001142767.2); c.3289-10dup (NM_001142765.2).
Identifiers: ClinVar variation 990225 (VCV000990225.11), dbSNP rs750835578, ClinGen allele CA5505623.

ClinVar aggregate classification (germline): Likely benign. Review status: criteria provided, multiple submitters, no conflicts (2 of 4 stars). 4 submissions from 4 submitters: Likely benign (3). 1 of the submissions does not count toward it. Last evaluated 2026-02-04.

Conditions:
Usher syndrome type 1F (USH1F). Also called: USHER SYNDROME, TYPE IF. Identifiers: Orphanet 231169, Orphanet 886, MedGen C1865885, MONDO:0011186, OMIM 602083.
PCDH15-related disorder. Also called: PCDH15-related condition; PCDH15-related disorders.

Submissions (4):

Labcorp Genetics (formerly Invitae), Labcorp
Classification: Likely benign. Last evaluated: 2026-02-04. Review status: criteria provided, single submitter. Criteria: Invitae Variant Classification Sherloc (09022015). Collection method: clinical testing. Allele origin: germline.

PreventionGenetics, part of Exact Sciences
Classification: Likely benign for PCDH15-related condition. Last evaluated: 2024-10-25. Review status: criteria provided, single submitter. Criteria: ACMG Guidelines, 2015. Collection method: clinical testing. Allele origin: germline.
Comment: This variant is classified as likely benign based on ACMG/AMP sequence variant interpretation guidelines (Richards et al. 2015 PMID: 25741868, with internal and published modifications).

Blueprint Genetics
Classification: Likely benign. Last evaluated: 2024-08-30. Review status: criteria provided, single submitter. Criteria: ACMG Guidelines, 2015. Collection method: clinical testing. Allele origin: germline.

Natera, Inc.
Classification: Uncertain significance for Usher syndrome type 1F. Last evaluated: 2020-04-16. Review status: no assertion criteria provided. Collection method: clinical testing. Allele origin: germline. Not counted in ClinVar's aggregate classification.